The following is an entry in ClinVar:

NM_004972.4(JAK2):c.2219G>A (p.Gly740Asp)

Genes: INSL6 (insulin like 6; minus strand), JAK2 (Janus kinase 2; plus strand). Cytogenetic location: 9p24.1.
Variant type: single nucleotide variant.
Coding change: c.2219G>A on transcript NM_004972.4 (MANE Select); coding-DNA position 2219, G replaced by A.
Protein change: p.Gly740Asp; replaces glycine 740 with aspartic acid.
Molecular consequence: missense variant. On other transcripts: non-coding transcript variant (2).
Genome position (GRCh38, 1-based): chr9:5,080,316, G>A. VCF-style: chr9-5080316-G-A. GRCh37 (hg19) VCF-style: chr9-5080316-G-A.
Other names: c.2219G>A, p.Gly740Asp (NM_001322194.2, NM_001322195.2, NM_001322196.2); c.1004G>A, p.Gly335Asp (NM_001322198.2, NM_001322199.2); c.1772G>A, p.Gly591Asp (NM_001322204.2); short protein forms G740D, G335D, G591D.
Identifiers: ClinVar variation 4736734 (VCV004736734.1).

ClinVar aggregate classification (germline): Uncertain significance (1 of 4 stars; one submission).

gnomAD v4.1: 2 of 1,613,500 alleles (0.00012%); highest among the groups gnomAD compares: Non-Finnish European, 0.00017%; no homozygotes.

Submission:

Labcorp Genetics (formerly Invitae), Labcorp
Classification: Uncertain significance. Last evaluated: 2025-08-12. Review status: criteria provided, single submitter. Criteria: Invitae Variant Classification Sherloc (09022015). Collection method: clinical testing. Allele origin: germline.
Comment: This sequence change replaces glycine, which is neutral and non-polar, with aspartic acid, which is acidic and polar, at codon 740 of the JAK2 protein (p.Gly740Asp). This variant is present in population databases (rs368219482, gnomAD 0.0009%). This variant has not been reported in the literature in individuals affected with JAK2-related conditions. Invitae Evidence Modeling of protein sequence and biophysical properties (such as structural, functional, and spatial information, amino acid conservation, physicochemical variation, residue mobility, and thermodynamic stability) indicates that this missense variant is expected to disrupt JAK2 protein function with a positive predictive value of 80%. In summary, the available evidence is currently insufficient to determine the role of this variant in disease. Therefore, it has been classified as a Variant of Uncertain Significance.